The following is an entry in ClinVar:

NM_004247.4(EFTUD2):c.2172G>A (p.Trp724Ter)

Gene: EFTUD2 (elongation factor Tu GTP binding domain containing 2; minus strand). Cytogenetic location: 17q21.31.
Variant type: single nucleotide variant.
Coding change: c.2172G>A on transcript NM_004247.4 (MANE Select); coding-DNA position 2172, G replaced by A.
Protein change: p.Trp724Ter; replaces tryptophan 724 with a stop codon.
Molecular consequence: nonsense.
Genome position (GRCh38, 1-based): chr17:44,854,643, C>T on the plus strand (G>A on the coding strand, the complement: EFTUD2 is on the minus strand). VCF-style: chr17-44854643-C-T. GRCh37 (hg19) VCF-style: chr17-42932011-C-T.
Other names: c.2067G>A, p.Trp689Ter (NM_001142605.2); c.2172G>A, p.Trp724Ter (NM_001258353.2); c.2142G>A, p.Trp714Ter (NM_001258354.2); short protein forms W689*, W714*, W724*.
Identifiers: ClinVar variation 4292725 (VCV004292725.1).

ClinVar aggregate classification (germline): Likely pathogenic (1 of 4 stars; one submission).

Conditions:
Mandibulofacial dysostosis-microcephaly syndrome (MFDGA). Also called: Mandibulofacial dysostosis, Guion-Almeida type; Growth and mental retardation, mandibulofacial dysostosis, microcephaly, and cleft palate. Identifiers: Orphanet 79113, MedGen C1864652, MONDO:0012516, OMIM 610536.

Submission:

3billion
Classification: Likely pathogenic for Mandibulofacial dysostosis-microcephaly syndrome. Last evaluated: 2024-07-25. Review status: criteria provided, single submitter. Criteria: ACMG Guidelines, 2015. Collection method: clinical testing. Allele origin: germline. Affected: yes.
Comment: The variant is not observed in the gnomAD v4.0.0 dataset. Predicted Consequence/Location: Stop-gained (nonsense): predicted to result in a loss or disruption of normal protein function through nonsense-mediated decay (NMD) or protein truncation. Multiple pathogenic variants are reported downstream of the variant. Therefore, this variant is classified as Likely pathogenic according to the recommendation of ACMG/AMP guideline.